The following is an entry in ClinVar:

ClinVar aggregate classification (germline): Uncertain significance. Review status: criteria provided, multiple submitters, no conflicts (2 of 4 stars). 2 submissions from 2 submitters: Uncertain significance (2). Last evaluated 2026-01-06.

Conditions:
NPHP3-related Meckel-like syndrome. Also called: GOLDSTON SYNDROME; Meckel syndrome type 7. Identifiers: Orphanet 3032, MedGen C2673885, MONDO:0009966, OMIM 267010.
Renal-hepatic-pancreatic dysplasia 1 (RHPD1). Identifiers: MedGen C3715199, MONDO:0008833, OMIM 208540.
Nephronophthisis 3 (NPHP3). Also called: Adolescent nephronophthisis. Identifiers: Orphanet 655, MedGen C1858392, MONDO:0011456, OMIM 604387.
Nephronophthisis. Also called: Juvenile Nephronophthisis. Identifiers: Orphanet 655, MedGen C0687120, MONDO:0019005, HP:0000090.

gnomAD v4.1: 8 of 1,613,514 alleles (0.0005%); highest among the groups gnomAD compares: Admixed American, 0.0017%; no homozygotes.

Submissions (2):

Labcorp Genetics (formerly Invitae), Labcorp
Classification: Uncertain significance for Nephronophthisis. Last evaluated: 2026-01-06. Review status: criteria provided, single submitter. Criteria: Invitae Variant Classification Sherloc (09022015). Collection method: clinical testing. Allele origin: germline.
Comment: This sequence change replaces arginine, which is basic and polar, with glutamine, which is neutral and polar, at codon 756 of the NPHP3 protein (p.Arg756Gln). This variant is present in population databases (rs747554260, gnomAD 0.01%). This variant has not been reported in the literature in individuals affected with NPHP3-related conditions. ClinVar contains an entry for this variant (Variation ID: 3588539). Invitae Evidence Modeling of protein sequence and biophysical properties (such as structural, functional, and spatial information, amino acid conservation, physicochemical variation, residue mobility, and thermodynamic stability) indicates that this missense variant is not expected to disrupt NPHP3 protein function with a negative predictive value of 80%. In summary, the available evidence is currently insufficient to determine the role of this variant in disease. Therefore, it has been classified as a Variant of Uncertain Significance.

Fulgent Genetics
Classification: Uncertain significance for Renal-hepatic-pancreatic dysplasia 1; NPHP3-related Meckel-like syndrome; Nephronophthisis 3. Last evaluated: 2024-05-13. Review status: criteria provided, single submitter. Criteria: ACMG Guidelines, 2015. Collection method: clinical testing. Allele origin: germline.

NM_153240.5(NPHP3):c.2267G>A (p.Arg756Gln)

Genes: NPHP3-ACAD11 (NPHP3-ACAD11 readthrough (NMD candidate); minus strand), NPHP3 (nephrocystin 3; minus strand). Cytogenetic location: 3q22.1.
Variant type: single nucleotide variant.
Coding change: c.2267G>A on transcript NM_153240.5 (MANE Select); coding-DNA position 2267, G replaced by A.
Protein change: p.Arg756Gln; replaces arginine 756 with glutamine.
Molecular consequence: missense variant. On other transcripts: non-coding transcript variant (1).
Genome position (GRCh38, 1-based): chr3:132,694,870, C>T on the plus strand (G>A on the coding strand, the complement: NPHP3 is on the minus strand). VCF-style: chr3-132694870-C-T. GRCh37 (hg19) VCF-style: chr3-132413714-C-T.
Other names: short protein forms R756Q.
Identifiers: ClinVar variation 3588539 (VCV003588539.2).
Genomic context (GRCh38, chr3:132,694,870, plus strand): 5'-AGTTTATTACATTCTACCTGCTTCATTAGCTCTTTATCCACATCATTTGCCATGGACTCC[C>T]GGATAGAGTGCAGAACAAGTCTATATAATGAAAGAGTATCTTGACACTGGAAACACTGAT-3'
Protein context (NP_694972.3, residues 746-766): SLYRLVLHSI[Arg756Gln]ESMANDVDKE